The following is an entry in ClinVar:

ClinVar aggregate classification (germline): Conflicting classifications of pathogenicity. Review status: criteria provided, conflicting classifications (1 of 4 stars). 2 submissions from 2 submitters: Likely pathogenic (1); Uncertain significance (1). Last evaluated 2025-04-09.

Conditions:
Glutaric aciduria, type 1. Also called: Glutaryl-CoA dehydrogenase deficiency; Glutaric acidemia type I; GA I; Glutaricaciduria, type I; Glutaric Acidemia Type 1; Glutaricacidemia Type 1. Identifiers: Orphanet 25, MedGen C0268595, MONDO:0009281, OMIM 231670.

Submissions (2):

Natera, Inc.
Classification: Likely pathogenic for Glutaric acidemia type 1. Last evaluated: 2025-04-09. Review status: criteria provided, single submitter. Criteria: Natera Variant Classification Schema (03/2026). Collection method: clinical testing. Allele origin: germline.
Comment: The c.1003_1005delAAG variant in GCDH is an in-frame deletion predicted to remove lysine at amino acid 335 while preserving the reading frame. This variant is rare in the general population with a frequency below the threshold expected for the associated phenotype(s). This variant has been observed in one or more individuals affected with the associated recessive disease, as either homozygous or compound heterozygous with a second variant (PMID: 35367405). This variant results in a change to the protein length while preserving reading frame, which may disrupt normal protein structure or function. Computational prediction algorithms indicate this variant is likely to affect gene or protein function. Given the available evidence, this variant is classified as Likely Pathogenic.

Women's Health and Genetics/Laboratory Corporation of America, LabCorp
Classification: Uncertain significance. Last evaluated: 2023-06-20. Review status: criteria provided, single submitter. Criteria: LabCorp Variant Classification Summary - May 2015. Collection method: clinical testing. Allele origin: germline.
Comment: Variant summary: GCDH c.1003_1005delAAG (p.Lys335del) results in an in-frame deletion that is predicted to remove 1 amino acids from the encoded protein. The variant allele was found at a frequency of 4e-06 in 251176 control chromosomes. The available data on variant occurrences in the general population are insufficient to allow any conclusion about variant significance. c.1003_1005delAAG has been reported in the literature in individuals affected with Glutaric Acidemia Type 1 (Lin_2022). To our knowledge, no experimental evidence demonstrating an impact on protein function has been reported. The following publication have been ascertained in the context of this evaluation (PMID: 35367405). No submitters have cited clinical-significance assessments for this variant to ClinVar after 2014. Based on the evidence outlined above, the variant was classified as uncertain significance.

Literature cited by the submitters: PubMed 35367405 (cited by Natera, Inc. and Women's Health and Genetics/Laboratory Corporation of America, LabCorp).

NM_000159.4(GCDH):c.1000AAG[1] (p.Lys335del)

Gene: GCDH (glutaryl-CoA dehydrogenase; plus strand). Cytogenetic location: 19p13.13.
Variant type: Microsatellite.
Coding change: c.1000AAG[1] on transcript NM_000159.4 (MANE Select); one copy of the 3-base unit AAG starting at c.1000; the reference has two copies in a row; one copy, 3 bases deleted.
Protein change: p.Lys335del; deletes lysine 335.
Molecular consequence: inframe deletion. On other transcripts: non-coding transcript variant (2).
Genome position (GRCh38, 1-based): chr19:12,897,349-12,897,351, AAG deleted; deleting any 3 consecutive bases within chr19:12,897,344-12,897,351 gives the same sequence; the position shown is the placement nearest the transcript's 3' end. VCF-style (leftmost placement, unchanged base first): chr19-12897343-CAGA-C. GRCh37 (hg19) VCF-style: chr19-13008157-CAGA-C.
Other names: c.1000AAG[1], p.Lys335del (NM_013976.5); short protein forms K335del.
Identifiers: ClinVar variation 2573376 (VCV002573376.2), dbSNP rs1380752970, ClinGen allele CA631852719.